The following is an entry in ClinVar:

ClinVar aggregate classification (germline): Pathogenic. Review status: criteria provided, multiple submitters, no conflicts (2 of 4 stars). 4 submissions from 4 submitters: Pathogenic (4). Last evaluated 2024-01-22.

Conditions:
Hereditary cancer-predisposing syndrome. Also called: Tumor predisposition; Hereditary Cancer Syndrome; Hereditary neoplastic syndrome; Neoplastic Syndromes, Hereditary. Identifiers: Orphanet 140162, MedGen C0027672, MeSH D009386, MONDO:0015356.
Hereditary leiomyomatosis and renal cell cancer. Also called: LEIOMYOMA, MULTIPLE CUTANEOUS; Reed syndrome; Multiple cutaneous and uterine leiomyomatosis; Cutaneous leiomyomata with uterine leiomyomata; Leiomyoma, hereditary multiple, of skin; Multiple cutaneous and uterine leiomyomata. Identifiers: Orphanet 523, MedGen C1708350, MONDO:0007888, OMIM 150800, HP:0007437. Disease mechanism: loss of function.

Submissions (4):

Institute of Medical Genetics and Applied Genomics, University Hospital Tübingen
Classification: Pathogenic for Hereditary leiomyomatosis and renal cell cancer. Last evaluated: 2024-01-22. Review status: criteria provided, single submitter. Criteria: ACMG Guidelines, 2015. Collection method: clinical testing. Allele origin: germline. Inheritance: Autosomal dominant inheritance. Affected: yes.

Labcorp Genetics (formerly Invitae), Labcorp
Classification: Pathogenic. Last evaluated: 2023-09-11. Review status: criteria provided, single submitter. Criteria: Invitae Variant Classification Sherloc (09022015). Collection method: clinical testing. Allele origin: germline.
Comment: This sequence change creates a premature translational stop signal (p.Glu313*) in the FH gene. It is expected to result in an absent or disrupted protein product. Loss-of-function variants in FH are known to be pathogenic (PMID: 11865300, 21398687). This variant is not present in population databases (gnomAD no frequency). This premature translational stop signal has been observed in individual(s) with clinical features of hereditary leiomyomatosis and renal cell cancer (PMID: 21398687). This variant is also known as c.808G>T (p.Glu270X). For these reasons, this variant has been classified as Pathogenic. ClinVar contains an entry for this variant (Variation ID: 214415).

Ambry Genetics
Classification: Pathogenic for Hereditary cancer-predisposing syndrome. Last evaluated: 2022-03-02. Review status: criteria provided, single submitter. Criteria: Ambry Variant Classification Scheme 2023. Collection method: clinical testing. Allele origin: germline.
Comment: The p.E313* pathogenic mutation (also known as c.937G>T), located in coding exon 7 of the FH gene, results from a G to T substitution at nucleotide position 937. This changes the amino acid from a glutamic acid to a stop codon within coding exon 7. This mutation has been reported in two French families with hereditary leiomyomatosis and renal cell cancer (HLRCC) (Gardie B et al. J. Med. Genet. 2011 Apr;48(4):226-34). Of note, this alteration is also designated as 808G>T and Glu270X in published literature. This alteration is expected to result in loss of function by premature protein truncation or nonsense-mediated mRNA decay. As such, this alteration is interpreted as a disease-causing mutation.

GeneDx
Classification: Pathogenic. Last evaluated: 2017-04-11. Review status: criteria provided, single submitter. Criteria: GeneDx Variant Classification (06012015). Collection method: clinical testing. Allele origin: germline. Affected: yes.
Comment: This variant is denoted FH c.937G>T at the cDNA level and p.Glu313Ter (E313X) at the protein level. The substitution creates a nonsense variant, which changes a Glutamic Acid to a premature stop codon (GAA>TAA), and is predicted to cause loss of normal protein function through either protein truncation or nonsense-mediated mRNA decay. This variant, also published as Glu270Ter using alternate nomenclature, has been reported in at least two individuals with a personal/family history of multiple cutaneous leiomyomas (Gardie 2011). We consider FH Glu313Ter to be pathogenic.

Literature cited by the submitters: PubMed 11865300 (cited by Labcorp Genetics (formerly Invitae), Labcorp); PubMed 21398687 (cited by Labcorp Genetics (formerly Invitae), Labcorp).

NM_000143.4(FH):c.937G>T (p.Glu313Ter)

Gene: FH (fumarate hydratase; minus strand). Cytogenetic location: 1q43.
Variant type: single nucleotide variant.
Coding change: c.937G>T on transcript NM_000143.4 (MANE Select); coding-DNA position 937, G replaced by T.
Protein change: p.Glu313Ter; replaces glutamic acid 313 with a stop codon.
Molecular consequence: nonsense.
Genome position (GRCh38, 1-based): chr1:241,504,213, C>A on the plus strand (G>T on the coding strand, the complement: FH is on the minus strand). VCF-style: chr1-241504213-C-A. GRCh37 (hg19) VCF-style: chr1-241667513-C-A.
Other names: p.E313*:GAA>TAA; short protein forms E313*.
Identifiers: ClinVar variation 214415 (VCV000214415.11), dbSNP rs863224001, ClinGen allele CA321156.